The following is an entry in ClinVar:

NM_016579.4(CD320):c.483C>T (p.Ser161=)

Gene: CD320 (CD320 molecule; minus strand). Cytogenetic location: 19p13.2.
Variant type: single nucleotide variant.
Coding change: c.483C>T on transcript NM_016579.4 (MANE Select); coding-DNA position 483, C replaced by T.
Protein change: p.Ser161=; no amino-acid change (serine 161 retained).
Molecular consequence: synonymous variant.
Genome position (GRCh38, 1-based): chr19:8,303,874, G>A on the plus strand (C>T on the coding strand, the complement: CD320 is on the minus strand). VCF-style: chr19-8303874-G-A. GRCh37 (hg19) VCF-style: chr19-8368758-G-A.
Other names: p.S161S:TCC>TCT; p.Ser161=; c.357C>T, p.Ser119= (NM_001165895.2).
Identifiers: ClinVar variation 136681 (VCV000136681.12), dbSNP rs2232784, ClinGen allele CA289984.

ClinVar aggregate classification (germline): Benign. Review status: criteria provided, multiple submitters, no conflicts (2 of 4 stars). 4 submissions from 4 submitters: Benign (4). Last evaluated 2026-02-02.

Conditions:
Methylmalonic acidemia due to transcobalamin receptor defect (MATR). Also called: METHYLMALONIC ACIDEMIA, TCblR TYPE; METHYLMALONIC ACIDURIA, TRANSIENT, DUE TO TRANSCOBALAMIN RECEPTOR DEFECT. Identifiers: Orphanet 280183, MedGen C4749905, MONDO:0013341, OMIM 613646.

Allele frequency attached by ClinVar (database versions not stated): gnomAD exomes 0.04280 and 0.05679; gnomAD 0.11524 and 0.12037; 1000 Genomes Project 0.13219; 1000 Genomes Project 30x 0.13429; ESP Exome Variant Server 0.12858; ExAC 0.10643; TOPMed 0.12686.
gnomAD v4.1: 80,495 of 1,602,380 alleles (5%); highest among the groups gnomAD compares: African/African-American, 31%; 4,805 homozygotes.

Submissions (4):

Labcorp Genetics (formerly Invitae), Labcorp
Classification: Benign for Methylmalonic acidemia due to transcobalamin receptor defect. Last evaluated: 2026-02-02. Review status: criteria provided, single submitter. Criteria: Invitae Variant Classification Sherloc (09022015). Collection method: clinical testing. Allele origin: germline.

Mayo Clinic Laboratories, Mayo Clinic
Classification: Benign. Last evaluated: 2022-07-22. Review status: criteria provided, single submitter. Criteria: ACMG Guidelines, 2015. Collection method: clinical testing. Allele origin: germline. Observed: 11 variant alleles.

GeneDx
Classification: Benign. Last evaluated: 2013-11-26. Review status: criteria provided, single submitter. Criteria: GeneDx Variant Classification (06012015). Collection method: clinical testing. Allele origin: germline. Affected: yes.
Comment: This variant is considered likely benign or benign based on one or more of the following criteria: it is a conservative change, it occurs at a poorly conserved position in the protein, it is predicted to be benign by multiple in silico algorithms, and/or has population frequency not consistent with disease.

Breakthrough Genomics
Classification: Benign. Review status: criteria provided, single submitter. Criteria: ACMG Guidelines, 2015. Collection method: not provided. Allele origin: germline. Inheritance: Autosomal recessive inheritance. Affected: yes.